The following is an entry in ClinVar:

NM_001375380.1(EBF3):c.983T>A (p.Leu328His)

Genes: EBF3 (EBF transcription factor 3; minus strand), EBF3-AS1 (EBF3 antisense RNA 1; plus strand). Cytogenetic location: 10q26.3.
Variant type: single nucleotide variant.
Coding change: c.983T>A on transcript NM_001375380.1 (MANE Select); coding-DNA position 983, T replaced by A.
Protein change: p.Leu328His; replaces leucine 328 with histidine.
Molecular consequence: missense variant.
Genome position (GRCh38, 1-based): chr10:129,867,197, A>T on the plus strand (T>A on the coding strand, the complement: EBF3 is on the minus strand). VCF-style: chr10-129867197-A-T. GRCh37 (hg19) VCF-style: chr10-131665461-A-T.
Other names: c.956T>A, p.Leu319His (NM_001005463.3, NM_001375390.1, NM_001375392.1); c.983T>A, p.Leu328His (NM_001375379.1, NM_001375389.1, NM_001375391.1); short protein forms L319H, L328H.
Identifiers: ClinVar variation 2536818 (VCV002536818.3), dbSNP rs2493980818, ClinGen allele CA378724956.

ClinVar aggregate classification (germline): Likely pathogenic (1 of 4 stars; one submission).

Conditions:
Inborn genetic diseases. Identifiers: MedGen C0950123, MeSH D030342.

Submission:

Ambry Genetics
Classification: Likely pathogenic for Inborn genetic diseases. Last evaluated: 2023-06-15. Review status: criteria provided, single submitter. Criteria: Ambry Variant Classification Scheme 2023. Collection method: clinical testing. Allele origin: germline.
Comment: The c.956T>A (p.L319H) alteration is located in exon 10 (coding exon 10) of the EBF3 gene. This alteration results from a T to A substitution at nucleotide position 956, causing the leucine (L) at amino acid position 319 to be replaced by a histidine (H). This variant was not reported in population-based cohorts in the Genome Aggregation Database (gnomAD). This amino acid position is highly conserved in available vertebrate species. This alteration is predicted to be deleterious by in silico analysis. Based on the available evidence, this alteration is classified as likely pathogenic.